The following is an entry in ClinVar:

NM_001458.5(FLNC):c.2786C>T (p.Thr929Ile)

Gene: FLNC (filamin C; plus strand). Cytogenetic location: 7q32.1.
Variant type: single nucleotide variant.
Coding change: c.2786C>T on transcript NM_001458.5 (MANE Select); coding-DNA position 2786, C replaced by T.
Protein change: p.Thr929Ile; replaces threonine 929 with isoleucine.
Molecular consequence: missense variant.
Genome position (GRCh38, 1-based): chr7:128,843,552, C>T. VCF-style: chr7-128843552-C-T. GRCh37 (hg19) VCF-style: chr7-128483606-C-T.
Other names: c.2786C>T, p.Thr929Ile (NM_001127487.2); short protein forms T929I.
Identifiers: ClinVar variation 4087937 (VCV004087937.3).
Genomic context (GRCh38, chr7:128,843,552, plus strand): 5'-CAGCCAAGGGCGAGGTTGTGCGGGACTTTGAGATCATAGACAACCATGACTACTCCTACA[C>T]TGTCAAGTACACCGCTGTCCAGCAGGTGCGCTCTGCCCCTCCCATGCTACCGCCCGGCCG-3'
Protein context (NP_001449.3, residues 919-939): EIIDNHDYSY[Thr929Ile]VKYTAVQQGN

ClinVar aggregate classification (germline): Uncertain significance. Review status: criteria provided, multiple submitters, no conflicts (2 of 4 stars). 2 submissions from 2 submitters: Uncertain significance (2). Last evaluated 2025-12-10.

Conditions:
Distal myopathy with posterior leg and anterior hand involvement. Also called: WILLIAMS DISTAL MYOPATHY. Identifiers: Orphanet 63273, MedGen C3279722, MONDO:0013550, OMIM 614065.
Hypertrophic cardiomyopathy 26. Also called: Cardiomyopathy, familial hypertrophic, 26. Identifiers: Orphanet 75249, MedGen C4310749, MONDO:0014883, OMIM 617047.
Myofibrillar myopathy 5. Also called: Filaminopathy (type); FILAMINOPATHY, AUTOSOMAL DOMINANT. Identifiers: Orphanet 171445, MedGen C1836050, MONDO:0012289, OMIM 609524.

Submissions (2):

Labcorp Genetics (formerly Invitae), Labcorp
Classification: Uncertain significance for Distal myopathy with posterior leg and anterior hand involvement; Myofibrillar myopathy 5; Hypertrophic cardiomyopathy 26. Last evaluated: 2025-12-10. Review status: criteria provided, single submitter. Criteria: Invitae Variant Classification Sherloc (09022015). Collection method: clinical testing. Allele origin: germline.
Comment: This sequence change replaces threonine, which is neutral and polar, with isoleucine, which is neutral and non-polar, at codon 929 of the FLNC protein (p.Thr929Ile). This variant is not present in population databases (gnomAD no frequency). This variant has not been reported in the literature in individuals affected with FLNC-related conditions. ClinVar contains an entry for this variant (Variation ID: 4087937). Invitae Evidence Modeling of protein sequence and biophysical properties (such as structural, functional, and spatial information, amino acid conservation, physicochemical variation, residue mobility, and thermodynamic stability) has been performed for this missense variant. However, the output from this modeling did not meet the statistical confidence thresholds required to predict the impact of this variant on FLNC protein function. In summary, the available evidence is currently insufficient to determine the role of this variant in disease. Therefore, it has been classified as a Variant of Uncertain Significance.

GeneDx
Classification: Uncertain significance. Last evaluated: 2025-10-20. Review status: criteria provided, single submitter. Criteria: GeneDx Variant Classification Process June 2021. Collection method: clinical testing. Allele origin: germline.
Comment: Not observed at significant frequency in large population cohorts (gnomAD); In silico analysis supports that this missense variant has a deleterious effect on protein structure/function; Has not been previously published as pathogenic or benign to our knowledge